The following is an entry in ClinVar:

NM_017852.5(NLRP2):c.1138C>T (p.Arg380Cys)

Gene: NLRP2 (NLR family pyrin domain containing 2; plus strand). Cytogenetic location: 19q13.42.
Variant type: single nucleotide variant.
Coding change: c.1138C>T on transcript NM_017852.5 (MANE Select); coding-DNA position 1138, C replaced by T.
Protein change: p.Arg380Cys; replaces arginine 380 with cysteine.
Molecular consequence: missense variant. On other transcripts: non-coding transcript variant (1).
Genome position (GRCh38, 1-based): chr19:54,982,836, C>T. VCF-style: chr19-54982836-C-T. GRCh37 (hg19) VCF-style: chr19-55494204-C-T.
Other names: NC_000019.9:g.55494204C>T; c.1138C>T, p.Arg380Cys (NM_001174081.3); c.1072C>T, p.Arg358Cys (NM_001174082.3); c.1069C>T, p.Arg357Cys (NM_001174083.2); c.1129C>T, p.Arg377Cys (NM_001348003.2); short protein forms R357C, R358C, R377C, R380C.
Identifiers: ClinVar variation 3035178 (VCV003035178.3), dbSNP rs189403101, ClinGen allele CA310103861.

ClinVar aggregate classification (germline): Benign (0 of 4 stars; one submission).

Conditions:
NLRP2-related disorder. Also called: NLRP2-related condition.

Allele frequency attached by ClinVar (database versions not stated): 1000 Genomes Project 30x 0.00734; ESP Exome Variant Server 0.00015; 1000 Genomes Project 0.00739; ExAC 0.00242.
gnomAD v4.1: 1,477 of 1,613,556 alleles (0.092%); highest among the groups gnomAD compares: East Asian, 2.7%; 35 homozygotes.

Submissions (4):

PreventionGenetics, part of Exact Sciences
Classification: Benign for NLRP2-related condition. Last evaluated: 2020-09-03. Review status: no assertion criteria provided. Collection method: clinical testing. Allele origin: germline.
Comment: This variant is classified as benign based on ACMG/AMP sequence variant interpretation guidelines (Richards et al. 2015 PMID: 25741868, with internal and published modifications).

Dr. Peter K. Rogan Lab, Western University
No classification provided (evidence only). Condition: Hepatocellular carcinoma. Review status: no classification provided. Collection method: in vitro. Allele origin: not applicable. Functional consequence: retained intron. Not counted in ClinVar's aggregate classification.

Dr. Peter K. Rogan Lab, Western University
No classification provided (evidence only). Condition: Hepatocellular carcinoma. Review status: no classification provided. Collection method: in vitro. Allele origin: not applicable. Functional consequence: retained intron. Not counted in ClinVar's aggregate classification.

Dr. Peter K. Rogan Lab, Western University
No classification provided (evidence only). Condition: Hepatocellular carcinoma. Review status: no classification provided. Collection method: in vitro. Allele origin: not applicable. Functional consequence: retained intron. Not counted in ClinVar's aggregate classification.